The following is an entry in ClinVar:

ClinVar aggregate classification (germline): Uncertain significance (1 of 4 stars; one submission).

Submission:

Labcorp Genetics (formerly Invitae), Labcorp
Classification: Uncertain significance. Last evaluated: 2025-05-13. Review status: criteria provided, single submitter. Criteria: Invitae Variant Classification Sherloc (09022015). Collection method: clinical testing. Allele origin: germline.
Comment: This sequence change replaces cysteine, which is neutral and slightly polar, with glycine, which is neutral and non-polar, at codon 70 of the TNFRSF6B protein (p.Cys70Gly). This variant is present in population databases (rs751045978, gnomAD 0.01%). This variant has not been reported in the literature in individuals affected with TNFRSF6B-related conditions. An algorithm developed to predict the effect of missense changes on protein structure and function (PolyPhen-2) suggests that this variant is likely to be disruptive. In summary, the available evidence is currently insufficient to determine the role of this variant in disease. Therefore, it has been classified as a Variant of Uncertain Significance.

NM_003823.4(TNFRSF6B):c.208T>G (p.Cys70Gly)

Genes: RTEL1-TNFRSF6B (RTEL1-TNFRSF6B readthrough (NMD candidate); plus strand), TNFRSF6B (TNF receptor superfamily member 6b; plus strand). Cytogenetic location: 20q13.33.
Variant type: single nucleotide variant.
Coding change: c.208T>G on transcript NM_003823.4 (MANE Select); coding-DNA position 208, T replaced by G.
Protein change: p.Cys70Gly; replaces cysteine 70 with glycine.
Molecular consequence: missense variant. On other transcripts: non-coding transcript variant (1).
Genome position (GRCh38, 1-based): chr20:63,696,975, T>G. VCF-style: chr20-63696975-T-G. GRCh37 (hg19) VCF-style: chr20-62328328-T-G.
Other names: short protein forms C70G.
Identifiers: ClinVar variation 4760627 (VCV004760627.1).
Genomic context (GRCh38, chr20:63,696,975, plus strand): 5'-GCCCAGTGCCCCCCAGGCACCTTTGTGCAGCGGCCGTGCCGCCGAGACAGCCCCACGACG[T>G]GTGGCCCGTGTCCACCGCGCCACTACACGCAGTTCTGGAACTACCTAGAGCGCTGCCGCT-3'
Protein context (NP_003814.1, residues 60-80): RPCRRDSPTT[Cys70Gly]GPCPPRHYTQ